The following is an entry in ClinVar:

NM_001308093.3(GATA4):c.*426C>T

Gene: GATA4 (GATA binding protein 4). Cytogenetic location: 8p23.1.
Variant type: single nucleotide variant.
Coding change: c.*426C>T on transcript NM_001308093.3 (MANE Select); 426 bases downstream of the stop codon, C replaced by T.
Molecular consequence: 3 prime UTR variant.
Genome position (GRCh38, 1-based): chr8:11,758,901, C>T. VCF-style: chr8-11758901-C-T. GRCh37 (hg19) VCF-style: chr8-11616410-C-T.
Other names: c.*426C>T (NM_001308094.2, NM_001374273.1, NM_001374274.1 and 1 more transcripts).
Identifiers: ClinVar variation 139594 (VCV000139594.2), dbSNP rs1062219, ClinGen allele CA232590.

ClinVar aggregate classification (germline): Uncertain significance (0 of 4 stars; one submission).

Allele frequency attached by ClinVar (database versions not stated): gnomAD exomes 0.36503; gnomAD 0.33100 and 0.32825; 1000 Genomes Project 0.22724; 1000 Genomes Project 30x 0.23282; TOPMed 0.32123.
gnomAD v4.1: 105,081 of 302,428 alleles (35%); highest among the groups gnomAD compares: Non-Finnish European, 44%; 21,111 homozygotes.

Submission:

Dept of Molecular Genetics and Enzymology, National Research Centre
Classification: Uncertain significance. Review status: no assertion criteria provided. Collection method: not provided. Allele origin: unknown.
Comment: Ventricular and atrial septal defects and pulmonary stenosis
ClinVar note: Converted during submission from unknown to Uncertain significance.